The following is an entry in ClinVar:

ClinVar aggregate classification (germline): Uncertain significance (1 of 4 stars; one submission).

Allele frequency attached by ClinVar (database versions not stated): gnomAD 0.00001; ExAC 0.00005.
gnomAD v4.1: 9 of 1,613,002 alleles (0.00056%); highest among the groups gnomAD compares: East Asian, 0.02%; no homozygotes.

Submission:

Labcorp Genetics (formerly Invitae), Labcorp
Classification: Uncertain significance. Last evaluated: 2022-02-20. Review status: criteria provided, single submitter. Criteria: Invitae Variant Classification Sherloc (09022015). Collection method: clinical testing. Allele origin: germline.
Comment: This variant has not been reported in the literature in individuals affected with STAT4-related conditions. Algorithms developed to predict the effect of missense changes on protein structure and function are either unavailable or do not agree on the potential impact of this missense change (SIFT: "Deleterious"; PolyPhen-2: "Benign"; Align-GVGD: "Class C0"). Algorithms developed to predict the effect of sequence changes on RNA splicing suggest that this variant may create or strengthen a splice site. In summary, the available evidence is currently insufficient to determine the role of this variant in disease. Therefore, it has been classified as a Variant of Uncertain Significance. This sequence change replaces arginine, which is basic and polar, with serine, which is neutral and polar, at codon 688 of the STAT4 protein (p.Arg688Ser). This variant is present in population databases (rs768045385, gnomAD 0.05%).

NM_003151.4(STAT4):c.2064G>C (p.Arg688Ser)

Genes: STAT4 (signal transducer and activator of transcription 4; minus strand), STAT4-AS1 (STAT4 antisense RNA 1; plus strand). Cytogenetic location: 2q32.2.
Variant type: single nucleotide variant.
Coding change: c.2064G>C on transcript NM_003151.4 (MANE Select); coding-DNA position 2064, G replaced by C.
Protein change: p.Arg688Ser; replaces arginine 688 with serine.
Molecular consequence: missense variant.
Genome position (GRCh38, 1-based): chr2:191,031,497, C>G on the plus strand (G>C on the coding strand, the complement: STAT4 is on the minus strand). VCF-style: chr2-191031497-C-G. GRCh37 (hg19) VCF-style: chr2-191896223-C-G.
Other names: c.2064G>C, p.Arg688Ser (NM_001243835.2); short protein forms R688S.
Identifiers: ClinVar variation 1941174 (VCV001941174.5), dbSNP rs768045385, ClinGen allele CA2030415.